The following is an entry in ClinVar:

ClinVar aggregate classification (germline): Conflicting classifications of pathogenicity. Review status: criteria provided, conflicting classifications (1 of 4 stars). 6 submissions from 6 submitters: Uncertain significance (1); Likely benign (4). 1 of the submissions does not count toward it. Last evaluated 2026-01-12.

Conditions:
Inborn genetic diseases. Identifiers: MedGen C0950123, MeSH D030342.
ALAS2-related disorder. Also called: ALAS2-related condition.

Allele frequency attached by ClinVar (database versions not stated): ExAC 0.00015; gnomAD 0.00015 and 0.00016; gnomAD exomes 0.00015; TOPMed 0.00016; 1000 Genomes Project 30x 0.00021; 1000 Genomes Project 0.00026.
gnomAD v4.1: 181 of 1,209,901 alleles (0.015%); highest among the groups gnomAD compares: Non-Finnish European, 0.019%; no homozygotes.

Submissions (6):

Labcorp Genetics (formerly Invitae), Labcorp
Classification: Likely benign. Last evaluated: 2026-01-12. Review status: criteria provided, single submitter. Criteria: Invitae Variant Classification Sherloc (09022015). Collection method: clinical testing. Allele origin: germline.

Blueprint Genetics
Classification: Likely benign. Last evaluated: 2024-10-30. Review status: criteria provided, single submitter. Criteria: ACMG Guidelines, 2015. Collection method: clinical testing. Allele origin: germline.

CeGaT Center for Human Genetics Tuebingen
Classification: Likely benign. Last evaluated: 2023-02-01. Review status: criteria provided, single submitter. Criteria: CeGaT Center For Human Genetics Tuebingen Variant Classification Criteria Version 2. Collection method: clinical testing. Allele origin: germline. Affected: yes. Observed: 1 variant allele.
Comment: ALAS2: BS2

Ambry Genetics
Classification: Uncertain significance for Inborn genetic diseases. Last evaluated: 2021-09-16. Review status: criteria provided, single submitter. Criteria: Ambry Variant Classification Scheme 2023. Collection method: clinical testing. Allele origin: germline.

GeneDx
Classification: Likely benign. Last evaluated: 2015-02-10. Review status: criteria provided, single submitter. Criteria: GeneDx Variant Classification (06012015). Collection method: clinical testing. Allele origin: germline. Affected: yes.
Comment: This variant is considered likely benign or benign based on one or more of the following criteria: it is a conservative change, it occurs at a poorly conserved position in the protein, it is predicted to be benign by multiple in silico algorithms, and/or has population frequency not consistent with disease.

PreventionGenetics, part of Exact Sciences
Classification: Likely benign for ALAS2-related condition. Last evaluated: 2022-06-01. Review status: no assertion criteria provided. Collection method: clinical testing. Allele origin: germline. Not counted in ClinVar's aggregate classification.
Comment: This variant is classified as likely benign based on ACMG/AMP sequence variant interpretation guidelines (Richards et al. 2015 PMID: 25741868, with internal and published modifications).

NM_000032.5(ALAS2):c.190T>C (p.Ser64Pro)

Genes: ALAS2 (5'-aminolevulinate synthase 2; minus strand), LOC108663984 (ALAS2 intron 1 and 3 erythroid regulatory elements; plus strand). Cytogenetic location: Xp11.21.
Variant type: single nucleotide variant.
Coding change: c.190T>C on transcript NM_000032.5 (MANE Select); coding-DNA position 190, T replaced by C.
Protein change: p.Ser64Pro; replaces serine 64 with proline.
Molecular consequence: missense variant.
Genome position (GRCh38, 1-based): chrX:55,024,832, A>G on the plus strand (T>C on the coding strand, the complement: ALAS2 is on the minus strand). VCF-style: chrX-55024832-A-G. GRCh37 (hg19) VCF-style: chrX-55051265-A-G.
Other names: p.S64P:TCT>CCT; c.190T>C, p.Ser64Pro (LRG_1163t1, NM_001037967.4); c.262T>C, p.Ser88Pro (NM_001037968.4); short protein forms S64P, S88P.
Identifiers: ClinVar variation 214093 (VCV000214093.36), dbSNP rs201875716, ClinGen allele CA324745.